The following is an entry in ClinVar:

NM_002473.6(MYH9):c.4932+13G>A

Gene: MYH9 (myosin heavy chain 9; minus strand). Cytogenetic location: 22q12.3.
Variant type: single nucleotide variant.
Coding change: c.4932+13G>A on transcript NM_002473.6 (MANE Select); 13 bases into the intron after coding-DNA position 4932, G replaced by A.
Molecular consequence: intron variant.
Genome position (GRCh38, 1-based): chr22:36,288,239, C>T on the plus strand (G>A on the coding strand, the complement: MYH9 is on the minus strand). VCF-style: chr22-36288239-C-T. GRCh37 (hg19) VCF-style: chr22-36684285-C-T.
Identifiers: ClinVar variation 178430 (VCV000178430.8), dbSNP rs373453112, ClinGen allele CA182317.

ClinVar aggregate classification (germline): Likely benign. Review status: criteria provided, multiple submitters, no conflicts (2 of 4 stars). 3 submissions from 3 submitters: Likely benign (3). Last evaluated 2024-08-07.

Allele frequency attached by ClinVar (database versions not stated): gnomAD 0.00001 and 0.00002; gnomAD exomes 0.00002; ExAC 0.00003; TOPMed 0.00003; ESP Exome Variant Server 0.00008.
gnomAD v4.1: 38 of 1,613,456 alleles (0.0024%); highest among the groups gnomAD compares: Middle Eastern, 0.05%; no homozygotes.

Submissions (3):

Blueprint Genetics
Classification: Likely benign. Last evaluated: 2024-08-07. Review status: criteria provided, single submitter. Criteria: ACMG Guidelines, 2015. Collection method: clinical testing. Allele origin: germline.

Labcorp Genetics (formerly Invitae), Labcorp
Classification: Likely benign. Last evaluated: 2024-06-03. Review status: criteria provided, single submitter. Criteria: Invitae Variant Classification Sherloc (09022015). Collection method: clinical testing. Allele origin: germline.

Laboratory for Molecular Medicine, Mass General Brigham Personalized Medicine
Classification: Likely benign. Last evaluated: 2012-04-30. Review status: criteria provided, single submitter. Criteria: LMM Criteria. Collection method: clinical testing. Allele origin: germline. Observed: 1 variant allele.
Comment: c.4932+13G>A in Intron 34 of MYH9: This variant is not expected to have clinical significance because it is not located within the conserved splice consensus se quence and has been identified in 1/7020 European American chromosomes from a br oad population by the NHLBI Exome Sequencing Project (du/EVS).